The following is an entry in ClinVar:

NM_001128840.3(CACNA1D):c.5390G>A (p.Arg1797Lys)

Gene: CACNA1D (calcium voltage-gated channel subunit alpha1 D; plus strand). Cytogenetic location: 3p21.1.
Variant type: single nucleotide variant.
Coding change: c.5390G>A on transcript NM_001128840.3 (MANE Select); coding-DNA position 5390, G replaced by A.
Protein change: p.Arg1797Lys; replaces arginine 1797 with lysine.
Molecular consequence: missense variant.
Genome position (GRCh38, 1-based): chr3:53,801,407, G>A. VCF-style: chr3-53801407-G-A. GRCh37 (hg19) VCF-style: chr3-53835434-G-A.
Other names: c.5450G>A, p.Arg1817Lys (NM_000720.4); c.5345G>A, p.Arg1782Lys (NM_001128839.3); short protein forms R1817K, R1782K, R1797K.
Identifiers: ClinVar variation 3677645 (VCV003677645.2).

ClinVar aggregate classification (germline): Uncertain significance (1 of 4 stars; one submission).

gnomAD v4.1: 1 of 1,614,132 alleles (0.000062%); highest among the groups gnomAD compares: Non-Finnish European, 0.000085%; no homozygotes.

Submission:

Labcorp Genetics (formerly Invitae), Labcorp
Classification: Uncertain significance. Last evaluated: 2024-02-23. Review status: criteria provided, single submitter. Criteria: Invitae Variant Classification Sherloc (09022015). Collection method: clinical testing. Allele origin: germline.
Comment: This sequence change replaces arginine, which is basic and polar, with lysine, which is basic and polar, at codon 1817 of the CACNA1D protein (p.Arg1817Lys). This variant is not present in population databases (gnomAD no frequency). This variant has not been reported in the literature in individuals affected with CACNA1D-related conditions. An algorithm developed to predict the effect of missense changes on protein structure and function (PolyPhen-2) suggests that this variant is likely to be tolerated. In summary, the available evidence is currently insufficient to determine the role of this variant in disease. Therefore, it has been classified as a Variant of Uncertain Significance.